The following is an entry in ClinVar:

NM_001005273.3(CHD3):c.3655T>G (p.Ser1219Ala)

Gene: CHD3 (chromodomain helicase DNA binding protein 3; plus strand). Cytogenetic location: 17p13.1.
Variant type: single nucleotide variant.
Coding change: c.3655T>G on transcript NM_001005273.3 (MANE Select); coding-DNA position 3655, T replaced by G.
Protein change: p.Ser1219Ala; replaces serine 1219 with alanine.
Molecular consequence: missense variant.
Genome position (GRCh38, 1-based): chr17:7,903,431, T>G. VCF-style: chr17-7903431-T-G. GRCh37 (hg19) VCF-style: chr17-7806749-T-G.
Other names: c.3832T>G, p.Ser1278Ala (NM_001005271.3); c.3655T>G, p.Ser1219Ala (NM_005852.4); c.3832T>G (NM_001005271.2); short protein forms S1219A, S1278A.
Identifiers: ClinVar variation 1334549 (VCV001334549.6), dbSNP rs2151604360, ClinGen allele CA397942478.

ClinVar aggregate classification (germline): Uncertain significance. Review status: criteria provided, multiple submitters, no conflicts (2 of 4 stars). 3 submissions from 3 submitters: Uncertain significance (3). Last evaluated 2025-08-14.

Conditions:
Inborn genetic diseases. Identifiers: MedGen C0950123, MeSH D030342.

Submissions (3):

Ambry Genetics
Classification: Uncertain significance for Inborn genetic diseases. Last evaluated: 2025-08-14. Review status: criteria provided, single submitter. Criteria: Ambry Variant Classification Scheme 2023. Collection method: clinical testing. Allele origin: germline.

GeneDx
Classification: Uncertain significance. Last evaluated: 2023-03-31. Review status: criteria provided, single submitter. Criteria: GeneDx Variant Classification Process June 2021. Collection method: clinical testing. Allele origin: germline. Affected: yes.
Comment: Not observed at significant frequency in large population cohorts (gnomAD); In silico analysis supports that this missense variant does not alter protein structure/function; Has not been previously published as pathogenic or benign to our knowledge

Greenwood Genetic Center Diagnostic Laboratories, Greenwood Genetic Center
Classification: Uncertain significance. Last evaluated: 2021-08-09. Review status: criteria provided, single submitter. Criteria: ACMG Guidelines, 2015. Collection method: clinical testing. Allele origin: germline. Affected: yes.
Comment: PP2, PP3, PM2